The following is an entry in ClinVar:

NM_000059.4(BRCA2):c.554_555delinsTT (p.Gly185Val)

Gene: BRCA2 (BRCA2 DNA repair associated; plus strand). Cytogenetic location: 13q13.1.
Variant type: Indel.
Coding change: c.554_555delinsTT on transcript NM_000059.4 (MANE Select); coding-DNA positions 554 to 555, GA replaced by TT.
Protein change: p.Gly185Val; replaces glycine 185 with valine.
Molecular consequence: missense variant.
Genome position (GRCh38, 1-based): chr13:32,326,536-32,326,537, GA replaced by TT. VCF-style: chr13-32326536-GA-TT. GRCh37 (hg19) VCF-style: chr13-32900673-GA-TT.
Other names: short protein forms G185V.
Identifiers: ClinVar variation 1171191 (VCV001171191.3), dbSNP rs2137452271, ClinGen allele CA2499222048.

ClinVar aggregate classification (germline): Uncertain significance (1 of 4 stars; one submission).

Conditions:
Hereditary cancer-predisposing syndrome. Also called: Tumor predisposition; Hereditary neoplastic syndrome; Hereditary Cancer Syndrome; Neoplastic Syndromes, Hereditary. Identifiers: Orphanet 140162, MedGen C0027672, MeSH D009386, MONDO:0015356.

Submission:

Color Diagnostics, LLC DBA Color Health
Classification: Uncertain significance for Hereditary cancer-predisposing syndrome. Last evaluated: 2024-03-06. Review status: criteria provided, single submitter. Criteria: ACMG Guidelines, 2015. Collection method: clinical testing. Allele origin: germline.
Comment: This missense variant replaces glycine with valine at codon 185 of the BRCA2 protein. Computational prediction is inconclusive regarding the impact of this variant on protein structure and function (internally defined REVEL score threshold 0.5 < inconclusive < 0.7, PMID: 27666373). To our knowledge, functional studies have not been reported for this variant. This variant has not been reported in individuals affected with hereditary cancer in the literature. This variant has not been identified in the general population by the Genome Aggregation Database (gnomAD). The available evidence is insufficient to determine the role of this variant in disease conclusively. Therefore, this variant is classified as a Variant of Uncertain Significance.